The following is an entry in ClinVar:

ClinVar aggregate classification (germline): Pathogenic (1 of 4 stars; one submission).

Conditions:
Familial adenomatous polyposis 1 (FAP1). Also called: POLYPOSIS, ADENOMATOUS INTESTINAL; FAMILIAL ADENOMATOUS POLYPOSIS 1, ATTENUATED. Identifiers: MedGen C2713442, MONDO:0021056, OMIM 175100. Disease mechanism: loss of function.

Submission:

Labcorp Genetics (formerly Invitae), Labcorp
Classification: Pathogenic for Familial adenomatous polyposis 1. Last evaluated: 2018-08-08. Review status: criteria provided, single submitter. Criteria: Invitae Variant Classification Sherloc (09022015). Collection method: clinical testing. Allele origin: germline.
Comment: This sequence change creates a premature translational stop signal (p.Ala219Glufs*73) in the APC gene. It is expected to result in an absent or disrupted protein product. This variant is not present in population databases (ExAC no frequency). This variant has not been reported in the literature in individuals with APC-related disease. Loss-of-function variants in APC are known to be pathogenic (PMID: 17963004, 20685668). For these reasons, this variant has been classified as Pathogenic.

Literature cited by the submitters: PubMed 17963004; PubMed 20685668.

NM_000038.6(APC):c.656_659del (p.Ala219fs)

Gene: APC (APC regulator of Wnt signaling pathway; plus strand). Cytogenetic location: 5q22.2.
Variant type: Deletion.
Coding change: c.656_659del on transcript NM_000038.6 (MANE Select); coding-DNA positions 656 to 659, 4 bases deleted (CCAG; older notation c.656_659delCCAG).
Protein change: p.Ala219fs; shifts the reading frame from alanine 219.
Molecular consequence: frameshift variant. On other transcripts: 5 prime UTR variant (1), intron variant (2).
Genome position (GRCh38, 1-based): chr5:112,792,456-112,792,459, CCAG deleted; deleting any 4 consecutive bases within chr5:112,792,454-112,792,459 gives the same sequence; the c. name uses the placement nearest the transcript's 3' end. VCF-style (leftmost placement, unchanged base first): chr5-112792453-TAGCC-T. GRCh37 (hg19) VCF-style: chr5-112128150-TAGCC-T.
Other names: c.656_659del, p.Ala219fs (NM_001127510.3, NM_001354895.2, NM_001354896.2 and 1 more transcripts); c.686_689del, p.Ala229fs (NM_001354897.2, NM_001354902.2); c.581_584del, p.Ala194fs (NM_001354898.2, NM_001354904.2); c.479_482del, p.Ala160fs (NM_001354900.2, NM_001354901.2, NM_001354905.2); c.-380_-377del (NM_001354906.2); c.676-8823_676-8820del (NM_001127511.3); c.646-8823_646-8820del (NM_001354899.2); short protein forms A160fs, A229fs, A194fs, A219fs.
Identifiers: ClinVar variation 639459 (VCV000639459.8), dbSNP rs1580423534, ClinGen allele CA915943462.